The following is an entry in ClinVar:

NM_000352.6(ABCC8):c.4118A>G (p.Lys1373Arg)

Gene: ABCC8 (ATP binding cassette subfamily C member 8; minus strand). Cytogenetic location: 11p15.1.
Variant type: single nucleotide variant.
Coding change: c.4118A>G on transcript NM_000352.6 (MANE Select); coding-DNA position 4118, A replaced by G.
Protein change: p.Lys1373Arg; replaces lysine 1373 with arginine.
Molecular consequence: missense variant. On other transcripts: non-coding transcript variant (1).
Genome position (GRCh38, 1-based): chr11:17,396,917, T>C on the plus strand (A>G on the coding strand, the complement: ABCC8 is on the minus strand). VCF-style: chr11-17396917-T-C. GRCh37 (hg19) VCF-style: chr11-17418464-T-C.
Other names: c.4121A>G, p.Lys1374Arg (NM_001287174.3); c.4184A>G, p.Lys1395Arg (NM_001351295.2); c.4118A>G, p.Lys1373Arg (NM_001351296.2); c.4115A>G, p.Lys1372Arg (NM_001351297.2); short protein forms K1372R, K1373R, K1374R, K1395R.
Identifiers: ClinVar variation 4755691 (VCV004755691.1).
Genomic context (GRCh38, chr11:17,396,917, plus strand): 5'-CATGCCCCATCCCCTGCTCACGCCTGTCCTGCAGCATTGGGTTGGGCCCGTGCTCTGACC[T>C]TCTGTCCAGGGGCGATGAGGGCATTGACGTGCTTCAGCACCGGCTTCAGGGAGCTGTCGT-3'
Protein context (NP_000343.2, residues 1363-1383): HVNALIAPGQ[Lys1373Arg]IGICGRTGSG

ClinVar aggregate classification (germline): Uncertain significance (1 of 4 stars; one submission).

gnomAD v4.1: 1 of 1,614,016 alleles (0.000062%); highest among the groups gnomAD compares: Non-Finnish European, 0.000085%; no homozygotes.

Submission:

GeneDx
Classification: Uncertain significance. Last evaluated: 2025-08-05. Review status: criteria provided, single submitter. Criteria: GeneDx Variant Classification Process June 2021. Collection method: clinical testing. Allele origin: germline. Affected: yes.
Comment: Observed in a patient with congenital hyperinsulinism in published literature; the variant was also harbored by the proband's mother with suspected hypoglycemia and two unaffected relatives (PMID: 18596924); Not observed at significant frequency in large population cohorts (gnomAD); In silico analysis supports that this missense variant has a deleterious effect on protein structure/function; In silico analysis suggests this variant may impact gene splicing. In the absence of RNA/functional studies, the actual effect of this sequence change is unknown.; This variant is associated with the following publications: (PMID: 25525159, 18596924)